The following is an entry in ClinVar:

ClinVar aggregate classification (germline): Conflicting classifications of pathogenicity. Review status: criteria provided, conflicting classifications (1 of 4 stars). 13 submissions from 9 submitters: Uncertain significance (4); Benign (2); Likely benign (6). 1 of the submissions does not count toward it. Last evaluated 2026-07-01.

Conditions:
TTN-related disorder. Also called: TTN-related disorders; TTN-related condition; TTN-related disease.
Autosomal recessive limb-girdle muscular dystrophy type 2J (LGMDR10). Also called: Limb-girdle muscular dystrophy, type 2J; MUSCULAR DYSTROPHY, LIMB-GIRDLE, AUTOSOMAL RECESSIVE 10. Identifiers: Orphanet 140922, MedGen C1837342, MONDO:0012127, OMIM 608807.
Dilated cardiomyopathy 1G (CMD1G). Identifiers: Orphanet 154, MedGen C1858763, MONDO:0011400, OMIM 604145.
Myopathy, myofibrillar, 9, with early respiratory failure (MFM9). Also called: Myopathy, distal, with early respiratory failure, autosomal dominant; EDSTROM MYOPATHY; MYOPATHY, PROXIMAL, WITH EARLY RESPIRATORY MUSCLE INVOLVEMENT; Hereditary myopathy with early respiratory failure. Identifiers: Orphanet 178464, Orphanet 34521, MedGen C1863599, MONDO:0011362, OMIM 603689.
Tibial muscular dystrophy (TMD). Also called: Udd Distal Myopathy – Tibial Muscular Dystrophy; UDD MYOPATHY; Tibial muscular dystrophy, tardive. Identifiers: Orphanet 609, MedGen C1838244, MONDO:0010870, OMIM 600334.
Early-onset myopathy with fatal cardiomyopathy (CMYO5). Also called: Salih Myopathy; CONGENITAL MYOPATHY 5 WITH CARDIOMYOPATHY. Identifiers: Orphanet 289377, MedGen C2673677, MONDO:0012714, OMIM 611705. Disease mechanism: loss of function.

Allele frequency attached by ClinVar (database versions not stated): gnomAD exomes 0.00015 and 0.00036; 1000 Genomes Project 30x 0.00016; ESP Exome Variant Server 0.00017; 1000 Genomes Project 0.00020; ExAC 0.00021; TOPMed 0.00032; gnomAD 0.00033 and 0.00034.
gnomAD v4.1: 297 of 1,613,486 alleles (0.018%); highest among the groups gnomAD compares: Middle Eastern, 0.066%; no homozygotes.

Submissions (13):

CeGaT Center for Human Genetics Tuebingen
Classification: Likely benign. Last evaluated: 2026-07-01. Review status: criteria provided, single submitter. Criteria: CeGaT Center For Human Genetics Tuebingen Variant Classification Criteria Version 2. Collection method: clinical testing. Allele origin: germline. Affected: yes. Observed: 10 variant alleles.
Comment: TTN: BP4, BP7

Labcorp Genetics (formerly Invitae), Labcorp
Classification: Likely benign for Dilated cardiomyopathy 1G; Autosomal recessive limb-girdle muscular dystrophy type 2J. Last evaluated: 2026-01-27. Review status: criteria provided, single submitter. Criteria: Invitae Variant Classification Sherloc (09022015). Collection method: clinical testing. Allele origin: germline.

Mayo Clinic Laboratories, Mayo Clinic
Classification: Likely benign. Last evaluated: 2025-05-09. Review status: criteria provided, single submitter. Criteria: ACMG Guidelines, 2015. Collection method: clinical testing. Allele origin: germline. Observed: 1 variant allele.

Molecular Diagnostic Laboratory for Inherited Cardiovascular Disease, Montreal Heart Institute
Classification: Likely benign. Last evaluated: 2025-04-09. Review status: criteria provided, single submitter. Criteria: ACMG Guidelines, 2015. Collection method: clinical testing. Allele origin: germline. Affected: no.

Blueprint Genetics
Classification: Likely benign. Last evaluated: 2024-01-08. Review status: criteria provided, single submitter. Criteria: ACMG Guidelines, 2015. Collection method: clinical testing. Allele origin: germline.

GeneDx
Classification: Likely benign. Last evaluated: 2020-08-20. Review status: criteria provided, single submitter. Criteria: GeneDx Variant Classification Process June 2021. Collection method: clinical testing. Allele origin: germline. Affected: yes.

Illumina Laboratory Services, Illumina
Classification: Uncertain significance for Early-onset myopathy with fatal cardiomyopathy. Last evaluated: 2018-01-13. Review status: criteria provided, single submitter. Criteria: ICSL Variant Classification Criteria 13 December 2019. Collection method: clinical testing. Allele origin: germline.

Illumina Laboratory Services, Illumina
Classification: Uncertain significance for Autosomal recessive limb-girdle muscular dystrophy type 2J. Last evaluated: 2018-01-13. Review status: criteria provided, single submitter. Criteria: ICSL Variant Classification Criteria 13 December 2019. Collection method: clinical testing. Allele origin: germline.

Illumina Laboratory Services, Illumina
Classification: Benign for Myopathy, myofibrillar, 9, with early respiratory failure. Last evaluated: 2018-01-13. Review status: criteria provided, single submitter. Criteria: ICSL Variant Classification Criteria 13 December 2019. Collection method: clinical testing. Allele origin: germline.
Comment: This variant was observed in the ICSL laboratory as part of a predisposition screen in an ostensibly healthy population. It had not been previously curated by ICSL or reported in the Human Gene Mutation Database (HGMD: prior to June 1st, 2018), and was therefore a candidate for classification through an automated scoring system. Utilizing variant allele frequency, disease prevalence and penetrance estimates, and inheritance mode, an automated score was calculated to assess if this variant is too frequent to cause the disease. Based on the score and internal cut-off values, a variant classified as benign is not then subjected to further curation. The score for this variant resulted in a classification of benign for this disease.

Illumina Laboratory Services, Illumina
Classification: Benign for Tibial muscular dystrophy. Last evaluated: 2018-01-13. Review status: criteria provided, single submitter. Criteria: ICSL Variant Classification Criteria 13 December 2019. Collection method: clinical testing. Allele origin: germline.
Comment: the same text as in the submission from Illumina Laboratory Services, Illumina above.

Illumina Laboratory Services, Illumina
Classification: Uncertain significance for Dilated cardiomyopathy 1G. Last evaluated: 2018-01-13. Review status: criteria provided, single submitter. Criteria: ICSL Variant Classification Criteria 13 December 2019. Collection method: clinical testing. Allele origin: germline.

Eurofins Ntd Llc (ga)
Classification: Uncertain significance. Last evaluated: 2014-05-21. Review status: criteria provided, single submitter. Criteria: EGL Classification Definitions 2015. Collection method: clinical testing. Allele origin: germline. Observed: 4 variant alleles, 4 heterozygotes.

PreventionGenetics, part of Exact Sciences
Classification: Likely benign for TTN-related condition. Last evaluated: 2022-08-11. Review status: no assertion criteria provided. Collection method: clinical testing. Allele origin: germline. Not counted in ClinVar's aggregate classification.
Comment: This variant is classified as likely benign based on ACMG/AMP sequence variant interpretation guidelines (Richards et al. 2015 PMID: 25741868, with internal and published modifications).

NM_001267550.2(TTN):c.16515T>C (p.Ser5505=)

Gene: TTN (titin; minus strand). Cytogenetic location: 2q31.2.
Variant type: single nucleotide variant.
Coding change: c.16515T>C on transcript NM_001267550.2 (MANE Select); coding-DNA position 16515, T replaced by C.
Protein change: p.Ser5505=; no amino-acid change (serine 5505 retained).
Molecular consequence: synonymous variant. On other transcripts: intron variant (3).
Genome position (GRCh38, 1-based): chr2:178,732,546, A>G on the plus strand (T>C on the coding strand, the complement: TTN is on the minus strand). VCF-style: chr2-178732546-A-G. GRCh37 (hg19) VCF-style: chr2-179597273-A-G.
Other names: p.Ser5188=; c.15564T>C, p.Ser5188= (NM_001256850.1); c.12783T>C, p.Ser4261= (NM_133378.4); c.13282+5536T>C (NM_003319.4); c.13858+5536T>C (NM_133437.4); c.13657+5536T>C (NM_133432.3).
Identifiers: ClinVar variation 197956 (VCV000197956.56), dbSNP rs201625116, ClinGen allele CA246369.